The following is an entry in ClinVar:

ClinVar aggregate classification (germline): Likely benign (1 of 4 stars; one submission).

Allele frequency attached by ClinVar (database versions not stated): gnomAD exomes below 0.00001.
gnomAD v4.1: 2 of 1,612,466 alleles (0.00012%); highest among the groups gnomAD compares: Non-Finnish European, 0.00017%; no homozygotes.

Submission:

CeGaT Center for Human Genetics Tuebingen
Classification: Likely benign. Last evaluated: 2022-03-01. Review status: criteria provided, single submitter. Criteria: CeGaT Center For Human Genetics Tuebingen Variant Classification Criteria Version 2. Collection method: clinical testing. Allele origin: germline. Affected: yes. Observed: 1 variant allele.
Comment: SPTBN5: PM2:Supporting, BP4, BP7

NM_016642.4(SPTBN5):c.4260G>A (p.Gln1420=)

Gene: SPTBN5 (spectrin beta, non-erythrocytic 5; minus strand). Cytogenetic location: 15q15.1.
Variant type: single nucleotide variant.
Coding change: c.4260G>A on transcript NM_016642.4 (MANE Select); coding-DNA position 4260, G replaced by A.
Protein change: p.Gln1420=; no amino-acid change (glutamine 1420 retained).
Molecular consequence: synonymous variant.
Genome position (GRCh38, 1-based): chr15:41,875,485, C>T on the plus strand (G>A on the coding strand, the complement: SPTBN5 is on the minus strand). VCF-style: chr15-41875485-C-T. GRCh37 (hg19) VCF-style: chr15-42167683-C-T.
Identifiers: ClinVar variation 2645224 (VCV002645224.24), dbSNP rs2547954851, ClinGen allele CA489845586.
Genomic context (GRCh38, chr15:41,875,485, plus strand): 5'-CCCTCTTGTGCCCTGTCCCTCTTCCCAGTGGACCTGCAGCTGCCTCAGGAGTTGCTCCTG[C>T]TGTCCAGCCTGCTGGAGCTCGTCCCCACGCTCAGTCATCTTGCGGTTCAAAGCTTCCCAC-3'
Protein context (NP_057726.4, residues 1410-1430): ERGDELQQAG[Gln1420=]QEQLLRQLQD